The following is an entry in ClinVar:

ClinVar aggregate classification (germline): Uncertain significance (1 of 4 stars; one submission).

Submission:

Labcorp Genetics (formerly Invitae), Labcorp
Classification: Uncertain significance. Last evaluated: 2024-10-29. Review status: criteria provided, single submitter. Criteria: Invitae Variant Classification Sherloc (09022015). Collection method: clinical testing. Allele origin: germline.
Comment: This sequence change replaces arginine, which is basic and polar, with serine, which is neutral and polar, at codon 698 of the COL2A1 protein (p.Arg698Ser). This variant also falls at the last nucleotide of exon 32, which is part of the consensus splice site for this exon. This variant is not present in population databases (gnomAD no frequency). This variant has not been reported in the literature in individuals affected with COL2A1-related conditions. An algorithm developed to predict the effect of missense changes on protein structure and function (PolyPhen-2) suggests that this variant is likely to be tolerated. Variants that disrupt the consensus splice site are a relatively common cause of aberrant splicing (PMID: 17576681, 9536098). In summary, the available evidence is currently insufficient to determine the role of this variant in disease. Therefore, it has been classified as a Variant of Uncertain Significance.

Literature cited by the submitters: PubMed 17576681; PubMed 9536098.

NM_001844.5(COL2A1):c.2094G>C (p.Arg698Ser)

Gene: COL2A1 (collagen type II alpha 1 chain; minus strand). Cytogenetic location: 12q13.11.
Variant type: single nucleotide variant.
Coding change: c.2094G>C on transcript NM_001844.5 (MANE Select); coding-DNA position 2094, G replaced by C.
Protein change: p.Arg698Ser; replaces arginine 698 with serine.
Molecular consequence: missense variant.
Genome position (GRCh38, 1-based): chr12:47,983,093, C>G on the plus strand (G>C on the coding strand, the complement: COL2A1 is on the minus strand). VCF-style: chr12-47983093-C-G. GRCh37 (hg19) VCF-style: chr12-48376876-C-G.
Other names: c.1887G>C, p.Arg629Ser (NM_033150.3); short protein forms R629S, R698S.
Identifiers: ClinVar variation 3724017 (VCV003724017.2).